The following is an entry in ClinVar:

NM_020964.3(EPG5):c.3689C>T (p.Thr1230Ile)

Gene: EPG5 (ectopic P-granules 5 autophagy tethering factor; minus strand). Cytogenetic location: 18q21.1.
Variant type: single nucleotide variant.
Coding change: c.3689C>T on transcript NM_020964.3 (MANE Select); coding-DNA position 3689, C replaced by T.
Protein change: p.Thr1230Ile; replaces threonine 1230 with isoleucine.
Molecular consequence: missense variant.
Genome position (GRCh38, 1-based): chr18:45,915,515, G>A on the plus strand (C>T on the coding strand, the complement: EPG5 is on the minus strand). VCF-style: chr18-45915515-G-A. GRCh37 (hg19) VCF-style: chr18-43495480-G-A.
Other names: short protein forms T1230I.
Identifiers: ClinVar variation 963000 (VCV000963000.10), dbSNP rs772294581, ClinGen allele CA8949104.

ClinVar aggregate classification (germline): Uncertain significance (1 of 4 stars; one submission).

Conditions:
Vici syndrome (VICIS). Identifiers: Orphanet 1493, MedGen C1855772, MONDO:0009452, OMIM 242840.

Allele frequency attached by ClinVar (database versions not stated): gnomAD exomes below 0.00001; TOPMed below 0.00001; ExAC 0.00001; gnomAD 0.00001.

Submission:

Labcorp Genetics (formerly Invitae), Labcorp
Classification: Uncertain significance for Vici syndrome. Last evaluated: 2022-04-26. Review status: criteria provided, single submitter. Criteria: Invitae Variant Classification Sherloc (09022015). Collection method: clinical testing. Allele origin: germline.
Comment: In summary, the available evidence is currently insufficient to determine the role of this variant in disease. Therefore, it has been classified as a Variant of Uncertain Significance. Algorithms developed to predict the effect of missense changes on protein structure and function are either unavailable or do not agree on the potential impact of this missense change (SIFT: "Tolerated"; PolyPhen-2: "Probably Damaging"; Align-GVGD: "Class C0"). This variant has not been reported in the literature in individuals affected with EPG5-related conditions. This variant is present in population databases (rs772294581, gnomAD 0.003%). This sequence change replaces threonine, which is neutral and polar, with isoleucine, which is neutral and non-polar, at codon 1230 of the EPG5 protein (p.Thr1230Ile). ClinVar contains an entry for this variant (Variation ID: 963000).